The following is an entry in ClinVar:

ClinVar aggregate classification (germline): Uncertain significance (1 of 4 stars; one submission).

Conditions:
Baraitser-Winter syndrome 1 (BRWS1). Also called: PACHYGYRIA, MENTAL RETARDATION, EPILEPSY, AND CHARACTERISTIC FACIES; MENTAL RETARDATION WITH EPILEPSY AND CHARACTERISTIC FACIES; Cerebrofrontofacial syndrome; BARAITSER-WINTER SYNDROME 1, ATYPICAL. Identifiers: Orphanet 2649, Orphanet 2995, MedGen C1855722, MONDO:0009470, OMIM 243310.

Submission:

Labcorp Genetics (formerly Invitae), Labcorp
Classification: Uncertain significance for Baraitser-Winter syndrome 1. Last evaluated: 2022-02-23. Review status: criteria provided, single submitter. Criteria: Invitae Variant Classification Sherloc (09022015). Collection method: clinical testing. Allele origin: germline.
Comment: In summary, the available evidence is currently insufficient to determine the role of this variant in disease. Therefore, it has been classified as a Variant of Uncertain Significance. Algorithms developed to predict the effect of missense changes on protein structure and function (SIFT, PolyPhen-2, Align-GVGD) all suggest that this variant is likely to be disruptive. This variant has not been reported in the literature in individuals affected with ACTB-related conditions. This variant is not present in population databases (gnomAD no frequency). This sequence change replaces asparagine, which is neutral and polar, with threonine, which is neutral and polar, at codon 128 of the ACTB protein (p.Asn128Thr).

NM_001101.5(ACTB):c.383A>C (p.Asn128Thr)

Gene: ACTB (actin beta; minus strand). Cytogenetic location: 7p22.1.
Variant type: single nucleotide variant.
Coding change: c.383A>C on transcript NM_001101.5 (MANE Select); coding-DNA position 383, A replaced by C.
Protein change: p.Asn128Thr; replaces asparagine 128 with threonine.
Molecular consequence: missense variant.
Genome position (GRCh38, 1-based): chr7:5,528,700, T>G on the plus strand (A>C on the coding strand, the complement: ACTB is on the minus strand). VCF-style: chr7-5528700-T-G. GRCh37 (hg19) VCF-style: chr7-5568331-T-G.
Other names: short protein forms N128T.
Identifiers: ClinVar variation 2099181 (VCV002099181.4), dbSNP rs1192919725, ClinGen allele CA366703902.